The following is an entry in ClinVar:

NC_000010.10:g.(?_121431747)_(121436794_?)dup

Gene: BAG3 (BAG cochaperone 3; plus strand). Cytogenetic location: 10q26.11.
Variant type: Duplication.
Identifiers: ClinVar variation 1411117 (VCV001411117.4).

ClinVar aggregate classification (germline): Uncertain significance (1 of 4 stars; one submission).

Conditions:
Dilated cardiomyopathy 1HH (CMD1HH). Identifiers: Orphanet 154, MedGen C3151293, MONDO:0013479, OMIM 613881.
Myofibrillar myopathy 6. Identifiers: Orphanet 199340, MedGen C2751831, MONDO:0013061, OMIM 612954.

Submission:

Labcorp Genetics (formerly Invitae), Labcorp
Classification: Uncertain significance for Dilated cardiomyopathy 1HH; Myofibrillar myopathy 6. Last evaluated: 2021-11-19. Review status: criteria provided, single submitter. Criteria: Invitae Variant Classification Sherloc (09022015). Collection method: clinical testing. Allele origin: germline.
Comment: In summary, the available evidence is currently insufficient to determine the role of this variant in disease. Therefore, it has been classified as a Variant of Uncertain Significance. Experimental studies and prediction algorithms are not available or were not evaluated, and the functional significance of this variant is currently unknown. This variant has not been reported in the literature in individuals affected with BAG3-related conditions. This variant results in a copy number gain of the genomic region encompassing exon(s) 3-4 of the BAG3 gene. This region includes the termination codon of the gene. This copy number gain extends beyond the assayed region for this gene and therefore may encompass additional genes. As the precise location of this event is unknown, it may be in tandem or it may be located elsewhere in the genome.